The following is an entry in ClinVar:

ClinVar aggregate classification (germline): Uncertain significance. Review status: criteria provided, multiple submitters, no conflicts (2 of 4 stars). 4 submissions from 4 submitters: Uncertain significance (4). Last evaluated 2024-11-21.

Conditions:
Episodic ataxia type 2 (EA2). Also called: ACETAZOLAMIDE-RESPONSIVE HEREDITARY PAROXYSMAL CEREBELLAR ATAXIA; EPISODIC ATAXIA, NYSTAGMUS-ASSOCIATED; ATAXIA, EPISODIC, WITH NYSTAGMUS; ATAXIA, FAMILIAL PAROXYSMAL; CEREBELLAR ATAXIA, PAROXYSMAL, ACETAZOLAMIDE-RESPONSIVE; CEREBELLOPATHY, HEREDITARY PAROXYSMAL. Identifiers: Orphanet 97, MedGen C1720416, MONDO:0007163, OMIM 108500.
Developmental and epileptic encephalopathy, 42 (DEE42A). Also called: DEVELOPMENTAL AND EPILEPTIC ENCEPHALOPATHY 42A; EPILEPTIC ENCEPHALOPATHY, EARLY INFANTILE, 42A; Epileptic encephalopathy, early infantile, 42. Identifiers: MedGen C4310716, MONDO:0014917, OMIM 617106.

Submissions (4):

GeneDx
Classification: Uncertain significance. Last evaluated: 2024-11-21. Review status: criteria provided, single submitter. Criteria: GeneDx Variant Classification Process June 2021. Collection method: clinical testing. Allele origin: germline. Affected: yes.
Comment: Not observed at significant frequency in large population cohorts (gnomAD); In silico analysis supports that this missense variant has a deleterious effect on protein structure/function; Has not been previously published as pathogenic or benign to our knowledge

Women's Health and Genetics/Laboratory Corporation of America, LabCorp
Classification: Uncertain significance. Last evaluated: 2024-10-03. Review status: criteria provided, single submitter. Criteria: LabCorp Variant Classification Summary - May 2015. Collection method: clinical testing. Allele origin: germline.
Comment: Variant summary: CACNA1A c.985G>C (p.Asp329His) results in a non-conservative amino acid change located in the Ion transport domain (IPR005821) of the encoded protein sequence. Five of five in-silico tools predict a damaging effect of the variant on protein function. The frequency data for this variant in gnomAD is considered unreliable, as metrics indicate poor data quality at this position. To our knowledge, no occurrence of c.985G>C in individuals affected with Epileptic Encephalopathy, Early Infantile, 42 and no experimental evidence demonstrating its impact on protein function have been reported. ClinVar contains an entry for this variant (Variation ID: 932697). Based on the evidence outlined above, the variant was classified as uncertain significance.

CeGaT Center for Human Genetics Tuebingen
Classification: Uncertain significance. Last evaluated: 2024-09-01. Review status: criteria provided, single submitter. Criteria: CeGaT Center For Human Genetics Tuebingen Variant Classification Criteria Version 2. Collection method: clinical testing. Allele origin: germline. Affected: yes. Observed: 3 variant alleles.
Comment: CACNA1A: PM2, PP2, PP3

Labcorp Genetics (formerly Invitae), Labcorp
Classification: Uncertain significance for Developmental and epileptic encephalopathy, 42; Episodic ataxia type 2. Last evaluated: 2022-08-15. Review status: criteria provided, single submitter. Criteria: Invitae Variant Classification Sherloc (09022015). Collection method: clinical testing. Allele origin: germline.
Comment: In summary, the available evidence is currently insufficient to determine the role of this variant in disease. Therefore, it has been classified as a Variant of Uncertain Significance. Advanced modeling of protein sequence and biophysical properties (such as structural, functional, and spatial information, amino acid conservation, physicochemical variation, residue mobility, and thermodynamic stability) performed at Invitae indicates that this missense variant is expected to disrupt CACNA1A protein function. ClinVar contains an entry for this variant (Variation ID: 932697). This variant has not been reported in the literature in individuals affected with CACNA1A-related conditions. This variant is not present in population databases (gnomAD no frequency). This sequence change replaces aspartic acid, which is acidic and polar, with histidine, which is basic and polar, at codon 329 of the CACNA1A protein (p.Asp329His).

NM_001127222.2(CACNA1A):c.985G>C (p.Asp329His)

Genes: CACNA1A (calcium voltage-gated channel subunit alpha1 A; minus strand), LOC126862866 (MED14-independent group 3 enhancer GRCh37_chr19:13445719-13446918; plus strand). Cytogenetic location: 19p13.13.
Variant type: single nucleotide variant.
Coding change: c.985G>C on transcript NM_001127222.2 (MANE Select); coding-DNA position 985, G replaced by C.
Protein change: p.Asp329His; replaces aspartic acid 329 with histidine.
Molecular consequence: missense variant.
Genome position (GRCh38, 1-based): chr19:13,335,903, C>G on the plus strand (G>C on the coding strand, the complement: CACNA1A is on the minus strand). VCF-style: chr19-13335903-C-G. GRCh37 (hg19) VCF-style: chr19-13446717-C-G.
Other names: c.985G>C (NM_001127221.1); c.985G>C, p.Asp329His (NM_000068.4, NM_001127221.2, NM_001174080.2 and 1 more transcripts); short protein forms D329H.
Identifiers: ClinVar variation 932697 (VCV000932697.46), dbSNP rs1353041373, ClinGen allele CA404346878.
Genomic context (GRCh38, chr19:13,335,903, plus strand): 5'-AGGAGCCGATGATGATGAGGGGGATGAAGTACAACCAGTTCCAAGTGTTCCCTGAGGCAT[C>G]GTTGCTCTGTAGGGTGTGAGGAGGGAAAGCAGGTGAGAGTTGACTGGGACTCAGATAGAA-3'
Protein context (NP_001120694.1, residues 319-339): GWTDLLYNSN[Asp329His]ASGNTWNWLY